The following is an entry in ClinVar:

NM_004588.5(SCN2B):c.629C>T (p.Pro210Leu)

Gene: SCN2B (sodium voltage-gated channel beta subunit 2; minus strand). Cytogenetic location: 11q23.3.
Variant type: single nucleotide variant.
Coding change: c.629C>T on transcript NM_004588.5 (MANE Select); coding-DNA position 629, C replaced by T.
Protein change: p.Pro210Leu; replaces proline 210 with leucine.
Molecular consequence: missense variant.
Genome position (GRCh38, 1-based): chr11:118,166,906, G>A on the plus strand (C>T on the coding strand, the complement: SCN2B is on the minus strand). VCF-style: chr11-118166906-G-A. GRCh37 (hg19) VCF-style: chr11-118037621-G-A.
Other names: short protein forms P210L.
Identifiers: ClinVar variation 191493 (VCV000191493.14), dbSNP rs144248214, ClinGen allele CA236786.

ClinVar aggregate classification (germline): Conflicting classifications of pathogenicity. Review status: criteria provided, conflicting classifications (1 of 4 stars). 5 submissions from 5 submitters: Uncertain significance (4); Likely benign (1). Last evaluated 2026-01-28.

Conditions:
Cardiovascular phenotype. Identifiers: MedGen CN230736.
Atrial fibrillation, familial, 14 (ATFB14). Identifiers: MedGen C3809312, MONDO:0014156, OMIM 615378.

Allele frequency attached by ClinVar (database versions not stated): ExAC 0.00003; TOPMed 0.00004; gnomAD 0.00006; gnomAD exomes 0.00007; ESP Exome Variant Server 0.00015.

Submissions (5):

Labcorp Genetics (formerly Invitae), Labcorp
Classification: Uncertain significance for Atrial fibrillation, familial, 14. Last evaluated: 2026-01-28. Review status: criteria provided, single submitter. Criteria: Invitae Variant Classification Sherloc (09022015). Collection method: clinical testing. Allele origin: germline.
Comment: This sequence change replaces proline, which is neutral and non-polar, with leucine, which is neutral and non-polar, at codon 210 of the SCN2B protein (p.Pro210Leu). This variant is present in population databases (rs144248214, gnomAD 0.01%). This variant has not been reported in the literature in individuals affected with SCN2B-related conditions. ClinVar contains an entry for this variant (Variation ID: 191493). An algorithm developed to predict the effect of missense changes on protein structure and function (PolyPhen-2) suggests that this variant is likely to be tolerated. In summary, the available evidence is currently insufficient to determine the role of this variant in disease. Therefore, it has been classified as a Variant of Uncertain Significance.

Ambry Genetics
Classification: Likely benign for Cardiovascular phenotype. Last evaluated: 2024-03-21. Review status: criteria provided, single submitter. Criteria: Ambry Variant Classification Scheme 2023. Collection method: clinical testing. Allele origin: germline.

Fulgent Genetics
Classification: Uncertain significance for Atrial fibrillation, familial, 14. Last evaluated: 2021-09-28. Review status: criteria provided, single submitter. Criteria: ACMG Guidelines, 2015. Collection method: clinical testing. Allele origin: unknown.

Biesecker Lab/Clinical Genomics Section, National Institutes of Health
Classification: Uncertain significance. Last evaluated: 2013-06-24. Review status: criteria provided, single submitter. Criteria: Ng et al. (Circ Cardiovasc Genet. 2013). Collection method: research. Allele origin: unknown. Observed: 1 variant allele. Study: ClinSeq.
Comment: The study set was not selected for affection status in relation to any cancer. Pathogenicity categories were based on literature curation. See Pubmed ID:23861362 for details.

Medical sequencing

Breakthrough Genomics
Classification: Uncertain significance. Review status: criteria provided, single submitter. Criteria: ACMG Guidelines, 2015. Collection method: not provided. Allele origin: germline. Inheritance: Autosomal dominant inheritance. Affected: yes.

Literature cited by the submitters: PubMed 23861362 (cited by Ambry Genetics).